The following is an entry in ClinVar:

ClinVar aggregate classification (germline): Uncertain significance (1 of 4 stars; one submission).

Allele frequency attached by ClinVar (database versions not stated): gnomAD exomes below 0.00001.
gnomAD v4.1: 2 of 1,535,494 alleles (0.00013%); highest among the groups gnomAD compares: Non-Finnish European, 0.00017%; no homozygotes.

Submission:

GeneDx
Classification: Uncertain significance. Last evaluated: 2023-05-08. Review status: criteria provided, single submitter. Criteria: GeneDx Variant Classification Process June 2021. Collection method: clinical testing. Allele origin: germline. Affected: yes.
Comment: Reported with a second variant (phase unknown) in a patient with polycystic kidney disease in published literature (Rossetti et al., 2007); Not observed at significant frequency in large population cohorts (gnomAD); In silico analysis supports that this missense variant does not alter protein structure/function; This variant is associated with the following publications: (PMID: 17582161)

NM_001009944.3(PKD1):c.11893C>A (p.Arg3965Ser)

Gene: PKD1 (polycystin 1, transient receptor potential channel interacting; minus strand). Cytogenetic location: 16p13.3.
Variant type: single nucleotide variant.
Coding change: c.11893C>A on transcript NM_001009944.3 (MANE Select); coding-DNA position 11893, C replaced by A.
Protein change: p.Arg3965Ser; replaces arginine 3965 with serine.
Molecular consequence: missense variant.
Genome position (GRCh38, 1-based): chr16:2,090,994, G>T on the plus strand (C>A on the coding strand, the complement: PKD1 is on the minus strand). VCF-style: chr16-2090994-G-T. GRCh37 (hg19) VCF-style: chr16-2140995-G-T.
Other names: c.11890C>A, p.Arg3964Ser (NM_000296.4); short protein forms R3964S, R3965S.
Identifiers: ClinVar variation 2663106 (VCV002663106.1), dbSNP rs1381961196, ClinGen allele CA394329383.